The following is an entry in ClinVar:

NM_153006.3(NAGS):c.1018C>T (p.Leu340Phe)

Gene: NAGS (N-acetylglutamate synthase; plus strand). Cytogenetic location: 17q21.31.
Variant type: single nucleotide variant.
Coding change: c.1018C>T on transcript NM_153006.3 (MANE Select); coding-DNA position 1018, C replaced by T.
Protein change: p.Leu340Phe; replaces leucine 340 with phenylalanine.
Molecular consequence: missense variant.
Genome position (GRCh38, 1-based): chr17:44,006,631, C>T. VCF-style: chr17-44006631-C-T. GRCh37 (hg19) VCF-style: chr17-42083999-C-T.
Other names: short protein forms L340F.
Identifiers: ClinVar variation 1380683 (VCV001380683.6), dbSNP rs2143987322, ClinGen allele CA399726335.
Genomic context (GRCh38, chr17:44,006,631, plus strand): 5'-TGCAACGCCGAGTGGGTGAGCACAAAAGAACGGCAGCAGATGCGGCTCATCGTGGACGTG[C>T]TCAGCCGCCTGCCCCACCACTCCTCGGCCGTCATCACCGCCGCTAGCACGCTGCTCACTG-3'
Protein context (NP_694551.1, residues 330-350): RQQMRLIVDV[Leu340Phe]SRLPHHSSAV

ClinVar aggregate classification (germline): Uncertain significance (1 of 4 stars; one submission).

Conditions:
Hyperammonemia, type III (NAGSD). Also called: Hyperammonemia due to N-acetylglutamate synthase deficiency. Identifiers: Orphanet 927, MedGen C0268543, MONDO:0009377, OMIM 237310.

Submission:

Labcorp Genetics (formerly Invitae), Labcorp
Classification: Uncertain significance for Hyperammonemia, type III. Last evaluated: 2022-11-15. Review status: criteria provided, single submitter. Criteria: Invitae Variant Classification Sherloc (09022015). Collection method: clinical testing. Allele origin: germline.
Comment: This sequence change replaces leucine, which is neutral and non-polar, with phenylalanine, which is neutral and non-polar, at codon 340 of the NAGS protein (p.Leu340Phe). In summary, the available evidence is currently insufficient to determine the role of this variant in disease. Therefore, it has been classified as a Variant of Uncertain Significance. Advanced modeling of protein sequence and biophysical properties (such as structural, functional, and spatial information, amino acid conservation, physicochemical variation, residue mobility, and thermodynamic stability) performed at Invitae indicates that this missense variant is expected to disrupt NAGS protein function. ClinVar contains an entry for this variant (Variation ID: 1380683). This variant has not been reported in the literature in individuals affected with NAGS-related conditions. This variant is not present in population databases (gnomAD no frequency).